The following is an entry in ClinVar:

NM_177939.3(P4HTM):c.1074-11del

Gene: P4HTM (prolyl 4-hydroxylase, transmembrane; plus strand). Cytogenetic location: 3p21.31.
Variant type: Deletion.
Coding change: c.1074-11del on transcript NM_177939.3 (MANE Select); 11 bases into the intron before coding-DNA position 1074, one base deleted (C; older notation c.1074-11delC).
Molecular consequence: intron variant. On other transcripts: frameshift variant (1).
Genome position (GRCh38, 1-based): chr3:49,005,766, C deleted; the last of 7 consecutive C bases (chr3:49,005,760-49,005,766); deleting any one gives the same sequence. VCF-style (leftmost placement, unchanged base first): chr3-49005759-GC-G. GRCh37 (hg19) VCF-style: chr3-49043192-GC-G.
Other names: c.1246del, p.Leu416fs (NM_177938.2); short protein forms L416fs.
Identifiers: ClinVar variation 2074552 (VCV002074552.1), dbSNP rs760453324, ClinGen allele CA2388504.

ClinVar aggregate classification (germline): Pathogenic (1 of 4 stars; one submission).

Submission:

Labcorp Genetics (formerly Invitae), Labcorp
Classification: Pathogenic. Last evaluated: 2022-07-05. Review status: criteria provided, single submitter. Criteria: Invitae Variant Classification Sherloc (09022015). Collection method: clinical testing. Allele origin: germline.
Comment: This sequence change creates a premature translational stop signal (p.Leu416Cysfs*6) in the P4HTM gene. It is expected to result in an absent or disrupted protein product. Loss-of-function variants in P4HTM are known to be pathogenic (PMID: 30940925). The frequency data for this variant in the population databases is considered unreliable, as metrics indicate poor data quality at this position in the gnomAD database. This variant has not been reported in the literature in individuals affected with P4HTM-related conditions. For these reasons, this variant has been classified as Pathogenic.

Literature cited by the submitters: PubMed 30940925.